The following is an entry in ClinVar:

ClinVar aggregate classification (germline): Uncertain significance (1 of 4 stars; one submission).

Conditions:
Dilated cardiomyopathy 1II (CMD1II). Identifiers: Orphanet 154, MedGen C3554649, MONDO:0014073, OMIM 615184.

Submission:

Labcorp Genetics (formerly Invitae), Labcorp
Classification: Uncertain significance for Dilated cardiomyopathy 1II. Last evaluated: 2025-03-23. Review status: criteria provided, single submitter. Criteria: Invitae Variant Classification Sherloc (09022015). Collection method: clinical testing. Allele origin: germline.
Comment: This sequence change replaces valine, which is neutral and non-polar, with leucine, which is neutral and non-polar, at codon 152 of the CRYAB protein (p.Val152Leu). This variant is not present in population databases (gnomAD no frequency). This variant has not been reported in the literature in individuals affected with CRYAB-related conditions. An algorithm developed to predict the effect of missense changes on protein structure and function (PolyPhen-2) suggests that this variant is likely to be tolerated. In summary, the available evidence is currently insufficient to determine the role of this variant in disease. Therefore, it has been classified as a Variant of Uncertain Significance.

NM_001289808.2(CRYAB):c.454G>C (p.Val152Leu)

Gene: CRYAB (crystallin alpha B; minus strand). Cytogenetic location: 11q23.1.
Variant type: single nucleotide variant.
Coding change: c.454G>C on transcript NM_001289808.2 (MANE Select); coding-DNA position 454, G replaced by C.
Protein change: p.Val152Leu; replaces valine 152 with leucine.
Molecular consequence: missense variant.
Genome position (GRCh38, 1-based): chr11:111,908,838, C>G on the plus strand (G>C on the coding strand, the complement: CRYAB is on the minus strand). VCF-style: chr11-111908838-C-G. GRCh37 (hg19) VCF-style: chr11-111779562-C-G.
Other names: c.454G>C, p.Val152Leu (NM_001289807.1, NM_001368245.1, NM_001885.3); c.253G>C, p.Val85Leu (NM_001330379.1, NM_001368246.1); short protein forms V85L, V152L.
Identifiers: ClinVar variation 4715769 (VCV004715769.1).
Genomic context (GRCh38, chr11:111,908,838, plus strand): 5'-CTGCGGTGACAGCAGGCTTCTCTTCACGGGTGATGGGAATGGTGCGCTCAGGGCCAGAGA[C>G]CTGTTTCCTTGGTCCATTCACAGTGAGGACCCCATCAGATGACAGGGATGAAGTAATGGT-3'
Protein context (NP_001276737.1, residues 142-162): VLTVNGPRKQ[Val152Leu]SGPERTIPIT